The following is an entry in ClinVar:

ClinVar aggregate classification (germline): Uncertain significance (1 of 4 stars; one submission).

gnomAD v4.1: 2 of 1,547,872 alleles (0.00013%); highest among the groups gnomAD compares: South Asian, 0.0024%; no homozygotes.

Submission:

CeGaT Center for Human Genetics Tuebingen
Classification: Uncertain significance. Last evaluated: 2025-10-01. Review status: criteria provided, single submitter. Criteria: CeGaT Center For Human Genetics Tuebingen Variant Classification Criteria Version 2. Collection method: clinical testing. Allele origin: germline. Affected: yes. Observed: 1 variant allele.
Comment: OTOG: PM2, PP3

NM_001292063.2(OTOG):c.2125T>A (p.Phe709Ile)

Gene: OTOG (otogelin; plus strand). Cytogenetic location: 11p15.1.
Variant type: single nucleotide variant.
Coding change: c.2125T>A on transcript NM_001292063.2 (MANE Select); coding-DNA position 2125, T replaced by A.
Protein change: p.Phe709Ile; replaces phenylalanine 709 with isoleucine.
Molecular consequence: missense variant.
Genome position (GRCh38, 1-based): chr11:17,573,122, T>A. VCF-style: chr11-17573122-T-A. GRCh37 (hg19) VCF-style: chr11-17594669-T-A.
Other names: c.2161T>A, p.Phe721Ile (NM_001277269.2); short protein forms F709I, F721I.
Identifiers: ClinVar variation 4534956 (VCV004534956.6).